The following is an entry in ClinVar:

NM_001369.3(DNAH5):c.1562dup (p.Glu522fs)

Gene: DNAH5 (dynein axonemal heavy chain 5; minus strand). Cytogenetic location: 5p15.2.
Variant type: Duplication.
Coding change: c.1562dup on transcript NM_001369.3 (MANE Select); coding-DNA position 1562, one base duplicated (A; older notation c.1562dupA).
Protein change: p.Glu522fs; shifts the reading frame from glutamic acid 522.
Molecular consequence: frameshift variant.
Genome position (GRCh38, 1-based): chr5:13,911,468, T duplicated on the plus strand (A on the coding strand, the reverse complement: DNAH5 is on the minus strand); the first of 5 consecutive T bases (chr5:13,911,468-13,911,472); duplicating any one gives the same sequence. VCF-style (leftmost placement, unchanged base first): chr5-13911467-C-CT. GRCh37 (hg19) VCF-style: chr5-13911576-C-CT.
Other names: short protein forms E522fs.
Identifiers: ClinVar variation 2791941 (VCV002791941.3), dbSNP rs1775986353, ClinGen allele CA2739274638.

ClinVar aggregate classification (germline): Pathogenic (1 of 4 stars; one submission).

Conditions:
Primary ciliary dyskinesia. Also called: Ciliary dyskinesia. Identifiers: Orphanet 244, MedGen C0008780, MONDO:0016575, HP:0012265.

Submission:

Labcorp Genetics (formerly Invitae), Labcorp
Classification: Pathogenic for Primary ciliary dyskinesia. Last evaluated: 2024-04-20. Review status: criteria provided, single submitter. Criteria: Invitae Variant Classification Sherloc (09022015). Collection method: clinical testing. Allele origin: germline.
Comment: This sequence change creates a premature translational stop signal (p.Glu522Glyfs*13) in the DNAH5 gene. It is expected to result in an absent or disrupted protein product. Loss-of-function variants in DNAH5 are known to be pathogenic (PMID: 11788826, 16627867). This variant is not present in population databases (gnomAD no frequency). This variant has not been reported in the literature in individuals affected with DNAH5-related conditions. For these reasons, this variant has been classified as Pathogenic.

Literature cited by the submitters: PubMed 11788826; PubMed 16627867.